The following is an entry in ClinVar:

NM_001042492.3(NF1):c.1123C>A (p.Leu375Ile)

Gene: NF1 (neurofibromin 1; plus strand). Cytogenetic location: 17q11.2.
Variant type: single nucleotide variant.
Coding change: c.1123C>A on transcript NM_001042492.3 (MANE Select); coding-DNA position 1123, C replaced by A.
Protein change: p.Leu375Ile; replaces leucine 375 with isoleucine.
Molecular consequence: missense variant.
Genome position (GRCh38, 1-based): chr17:31,201,097, C>A. VCF-style: chr17-31201097-C-A. GRCh37 (hg19) VCF-style: chr17-29528115-C-A.
Other names: c.1123C>A, p.Leu375Ile (NM_000267.4, NM_001128147.3); short protein forms L375I.
Identifiers: ClinVar variation 2452264 (VCV002452264.3), dbSNP rs2143879467, ClinGen allele CA398996975.

ClinVar aggregate classification (germline): Uncertain significance (1 of 4 stars; one submission).

Conditions:
Hereditary cancer-predisposing syndrome. Also called: Neoplastic Syndromes, Hereditary; Tumor predisposition; Hereditary neoplastic syndrome; Hereditary Cancer Syndrome. Identifiers: Orphanet 140162, MedGen C0027672, MeSH D009386, MONDO:0015356.
Cardiovascular phenotype. Identifiers: MedGen CN230736.

Submission:

Ambry Genetics
Classification: Uncertain significance for Cardiovascular phenotype; Hereditary cancer-predisposing syndrome. Last evaluated: 2025-07-01. Review status: criteria provided, single submitter. Criteria: Ambry Variant Classification Scheme 2023. Collection method: clinical testing. Allele origin: germline.
Comment: The p.L375I variant (also known as c.1123C>A), located in coding exon 10 of the NF1 gene, results from a C to A substitution at nucleotide position 1123. The leucine at codon 375 is replaced by isoleucine, an amino acid with highly similar properties. This amino acid position is conserved. In addition, the in silico prediction for this alteration is inconclusive. Since supporting evidence is limited at this time, the clinical significance of this alteration remains unclear.